The following is an entry in ClinVar:

NM_014991.6(WDFY3):c.10565G>A (p.Gly3522Glu)

Gene: WDFY3 (WD repeat and FYVE domain containing 3; minus strand). Cytogenetic location: 4q21.23.
Variant type: single nucleotide variant.
Coding change: c.10565G>A on transcript NM_014991.6 (MANE Select); coding-DNA position 10565, G replaced by A.
Protein change: p.Gly3522Glu; replaces glycine 3522 with glutamic acid.
Molecular consequence: missense variant.
Genome position (GRCh38, 1-based): chr4:84,672,884, C>T on the plus strand (G>A on the coding strand, the complement: WDFY3 is on the minus strand). VCF-style: chr4-84672884-C-T. GRCh37 (hg19) VCF-style: chr4-85594037-C-T.
Other names: short protein forms G3522E.
Identifiers: ClinVar variation 3359548 (VCV003359548.1).

ClinVar aggregate classification (germline): Uncertain significance (1 of 4 stars; one submission).

gnomAD v4.1: 1 of 1,613,870 alleles (0.000062%); highest among the groups gnomAD compares: Non-Finnish European, 0.000085%; no homozygotes.

Submission:

GeneDx
Classification: Uncertain significance. Last evaluated: 2023-06-05. Review status: criteria provided, single submitter. Criteria: GeneDx Variant Classification Process June 2021. Collection method: clinical testing. Allele origin: germline. Affected: yes.
Comment: Not observed at significant frequency in large population cohorts (gnomAD); In silico analysis supports that this missense variant does not alter protein structure/function; Has not been previously published as pathogenic or benign to our knowledge